The following is an entry in ClinVar:

ClinVar aggregate classification (germline): Likely benign. Review status: no assertion criteria provided (0 of 4 stars). 2 submissions from 2 submitters: Likely benign (2). Last evaluated 2024-03-05.

Conditions:
TECPR2-related disorder. Also called: TECPR2-related condition.
Hereditary spastic paraplegia 49 (HSAN9). Also called: Spastic paraplegia 49, autosomal recessive; NEUROPATHY, HEREDITARY SENSORY AND AUTONOMIC, TYPE IX, WITH DEVELOPMENTAL DELAY; TECPR2-Related Hereditary Sensory and Autonomic Neuropathy with Intellectual Disability. Identifiers: Orphanet 320385, MedGen C5190860, MONDO:0014016, OMIM 615031.

Allele frequency attached by ClinVar (database versions not stated): gnomAD exomes 0.00015; ExAC 0.00019; gnomAD 0.00054 and 0.00061; TOPMed 0.00062; 1000 Genomes Project 30x 0.00094; 1000 Genomes Project 0.01018.
gnomAD v4.1: 147 of 1,614,110 alleles (0.0091%); highest among the groups gnomAD compares: African/African-American, 0.18%; no homozygotes.

Submissions (2):

PreventionGenetics, part of Exact Sciences
Classification: Likely benign for TECPR2-related condition. Last evaluated: 2024-03-05. Review status: no assertion criteria provided. Collection method: clinical testing. Allele origin: germline.
Comment: This variant is classified as likely benign based on ACMG/AMP sequence variant interpretation guidelines (Richards et al. 2015 PMID: 25741868, with internal and published modifications).

Natera, Inc.
Classification: Likely benign for Autosomal recessive spastic paraplegia type 49. Last evaluated: 2020-04-16. Review status: no assertion criteria provided. Collection method: clinical testing. Allele origin: germline.

NM_014844.5(TECPR2):c.754C>A (p.Gln252Lys)

Gene: TECPR2 (tectonin beta-propeller repeat containing 2; plus strand). Cytogenetic location: 14q32.31.
Variant type: single nucleotide variant.
Coding change: c.754C>A on transcript NM_014844.5 (MANE Select); coding-DNA position 754, C replaced by A.
Protein change: p.Gln252Lys; replaces glutamine 252 with lysine.
Molecular consequence: missense variant.
Genome position (GRCh38, 1-based): chr14:102,425,094, C>A. VCF-style: chr14-102425094-C-A. GRCh37 (hg19) VCF-style: chr14-102891431-C-A.
Other names: c.754C>A, p.Gln252Lys (NM_001172631.3); c.754C>A (NM_014844.4); short protein forms Q252K.
Identifiers: ClinVar variation 989661 (VCV000989661.3), dbSNP rs147010113, ClinGen allele CA7357521.
Genomic context (GRCh38, chr14:102,425,094, plus strand): 5'-ACCTTGTATGCGTCACGGCCCGGGCTCCGGCTATGGAAGGCTGATGTCCACGGGACTGTT[C>A]AAGCCACGTTTATCTTAAAAGATGCTTTTGCCGGGGGAGTCAAGCCTTTTGAACTGCACC-3'
Protein context (NP_055659.2, residues 242-262): LWKADVHGTV[Gln252Lys]ATFILKDAFA